The following is an entry in ClinVar:

ClinVar aggregate classification (germline): Uncertain significance. Review status: criteria provided, multiple submitters, no conflicts (2 of 4 stars). 3 submissions from 3 submitters: Uncertain significance (3). Last evaluated 2025-10-24.

Conditions:
Amyotrophic lateral sclerosis-parkinsonism-dementia complex. Also called: AMYOTROPHIC LATERAL SCLEROSIS-PARKINSONISM/DEMENTIA COMPLEX 1; GUAM DISEASE. Identifiers: Orphanet 90020, MedGen C0543859, MONDO:0007104, OMIM 105500.

Allele frequency attached by ClinVar (database versions not stated): TOPMed 0.00002; ExAC 0.00002; gnomAD exomes 0.00001.
gnomAD v4.1: 19 of 1,613,874 alleles (0.0012%); highest among the groups gnomAD compares: Non-Finnish European, 0.0015%; no homozygotes.

Submissions (3):

Ambry Genetics
Classification: Uncertain significance. Last evaluated: 2025-10-24. Review status: criteria provided, single submitter. Criteria: Ambry Variant Classification Scheme 2023. Collection method: clinical testing. Allele origin: germline.

Genomic Medicine Center of Excellence, King Faisal Specialist Hospital and Research Centre
Classification: Uncertain significance for Amyotrophic lateral sclerosis-parkinsonism-dementia complex. Last evaluated: 2025-09-10. Review status: criteria provided, single submitter. Criteria: ACMG Guidelines, 2015. Collection method: clinical testing. Allele origin: germline.

Baylor Genetics
Classification: Uncertain significance for Amyotrophic lateral sclerosis-parkinsonism-dementia complex. Last evaluated: 2020-07-28. Review status: criteria provided, single submitter. Criteria: ACMG Guidelines, 2015. Collection method: clinical testing. Allele origin: unknown. Affected: yes.
Comment: This variant was determined to be of uncertain significance according to ACMG Guidelines, 2015 [PMID:25741868].

NM_017672.6(TRPM7):c.2141A>C (p.Lys714Thr)

Gene: TRPM7 (transient receptor potential cation channel subfamily M member 7; minus strand). Cytogenetic location: 15q21.2.
Variant type: single nucleotide variant.
Coding change: c.2141A>C on transcript NM_017672.6 (MANE Select); coding-DNA position 2141, A replaced by C.
Protein change: p.Lys714Thr; replaces lysine 714 with threonine.
Molecular consequence: missense variant. On other transcripts: non-coding transcript variant (3).
Genome position (GRCh38, 1-based): chr15:50,611,232, T>G on the plus strand (A>C on the coding strand, the complement: TRPM7 is on the minus strand). VCF-style: chr15-50611232-T-G. GRCh37 (hg19) VCF-style: chr15-50903429-T-G.
Other names: c.2141A>C, p.Lys714Thr (NM_001301212.2); short protein forms K714T.
Identifiers: ClinVar variation 1029635 (VCV001029635.3), dbSNP rs753306031, ClinGen allele CA7557503.